The following is an entry in ClinVar:

NM_002692.4(POLE2):c.482G>A (p.Ser161Asn)

Gene: POLE2 (DNA polymerase epsilon 2, accessory subunit; minus strand). Cytogenetic location: 14q21.3.
Variant type: single nucleotide variant.
Coding change: c.482G>A on transcript NM_002692.4 (MANE Select); coding-DNA position 482, G replaced by A.
Protein change: p.Ser161Asn; replaces serine 161 with asparagine.
Molecular consequence: missense variant.
Genome position (GRCh38, 1-based): chr14:49,669,534, C>T on the plus strand (G>A on the coding strand, the complement: POLE2 is on the minus strand). VCF-style: chr14-49669534-C-T. GRCh37 (hg19) VCF-style: chr14-50136252-C-T.
Other names: c.404G>A, p.Ser135Asn (NM_001197330.2); c.482G>A, p.Ser161Asn (NM_001197331.3, NM_001348384.2); c.251G>A, p.Ser84Asn (NM_001348385.2); c.482G>A (NM_002692.3); short protein forms S161N, S135N, S84N.
Identifiers: ClinVar variation 1412340 (VCV001412340.8), dbSNP rs774521998, ClinGen allele CA7173607.

ClinVar aggregate classification (germline): Uncertain significance. Review status: criteria provided, multiple submitters, no conflicts (2 of 4 stars). 3 submissions from 3 submitters: Uncertain significance (3). Last evaluated 2025-12-08.

Allele frequency attached by ClinVar (database versions not stated): ExAC 0.00002; gnomAD exomes 0.00002 and 0.00005.
gnomAD v4.1: 83 of 1,569,882 alleles (0.0053%); highest among the groups gnomAD compares: Non-Finnish European, 0.0068%; no homozygotes.

Submissions (3):

Ambry Genetics
Classification: Uncertain significance. Last evaluated: 2025-12-08. Review status: criteria provided, single submitter. Criteria: Ambry Variant Classification Scheme 2023. Collection method: clinical testing. Allele origin: germline.

Labcorp Genetics (formerly Invitae), Labcorp
Classification: Uncertain significance. Last evaluated: 2024-05-30. Review status: criteria provided, single submitter. Criteria: Invitae Variant Classification Sherloc (09022015). Collection method: clinical testing. Allele origin: germline.
Comment: This sequence change replaces serine, which is neutral and polar, with asparagine, which is neutral and polar, at codon 161 of the POLE2 protein (p.Ser161Asn). This variant is present in population databases (rs774521998, gnomAD 0.004%). This variant has not been reported in the literature in individuals affected with POLE2-related conditions. ClinVar contains an entry for this variant (Variation ID: 1412340). An algorithm developed to predict the effect of missense changes on protein structure and function (PolyPhen-2) suggests that this variant is likely to be tolerated. In summary, the available evidence is currently insufficient to determine the role of this variant in disease. Therefore, it has been classified as a Variant of Uncertain Significance.

Blueprint Genetics
Classification: Uncertain significance. Last evaluated: 2023-02-13. Review status: criteria provided, single submitter. Criteria: ACMG Guidelines, 2015. Collection method: clinical testing. Allele origin: germline.